The following is an entry in ClinVar:

NM_005475.3(SH2B3):c.673C>G (p.Arg225Gly)

Gene: SH2B3 (SH2B adaptor protein 3; plus strand). Cytogenetic location: 12q24.12.
Variant type: single nucleotide variant.
Coding change: c.673C>G on transcript NM_005475.3 (MANE Select); coding-DNA position 673, C replaced by G.
Protein change: p.Arg225Gly; replaces arginine 225 with glycine.
Molecular consequence: missense variant.
Genome position (GRCh38, 1-based): chr12:111,418,818, C>G. VCF-style: chr12-111418818-C-G. GRCh37 (hg19) VCF-style: chr12-111856622-C-G.
Other names: short protein forms R225G.
Identifiers: ClinVar variation 3795208 (VCV003795208.1).
Genomic context (GRCh38, chr12:111,418,818, plus strand): 5'-CTGGCCGACGAGGCCTCCATGGACAGCGGGGCACGCTGGCAGCGCGGGAGGCTGGCGCTG[C>G]GCCGGGCCCCGGGCCCCGATGGCCCCGACCGCGTGCTGGAGCTCTTCGACCCACCCAAGG-3'
Protein context (NP_005466.1, residues 215-235): ARWQRGRLAL[Arg225Gly]RAPGPDGPDR

ClinVar aggregate classification (germline): Uncertain significance (1 of 4 stars; one submission).

Conditions:
Inborn genetic diseases. Identifiers: MedGen C0950123, MeSH D030342.

Submission:

Ambry Genetics
Classification: Uncertain significance for Inborn genetic diseases. Last evaluated: 2025-02-19. Review status: criteria provided, single submitter. Criteria: Ambry Variant Classification Scheme 2023. Collection method: clinical testing. Allele origin: germline.
Comment: The p.R225G variant (also known as c.673C>G), located in coding exon 1 of the SH2B3 gene, results from a C to G substitution at nucleotide position 673. The arginine at codon 225 is replaced by glycine, an amino acid with dissimilar properties. This amino acid position is conserved. In addition, this alteration is predicted to be tolerated by in silico analysis. Based on the available evidence, the clinical significance of this variant remains unclear.